The following is an entry in ClinVar:

NM_004360.5(CDH1):c.2203G>C (p.Ala735Pro)

Gene: CDH1 (cadherin 1; plus strand). Cytogenetic location: 16q22.1.
Variant type: single nucleotide variant.
Coding change: c.2203G>C on transcript NM_004360.5 (MANE Select); coding-DNA position 2203, G replaced by C.
Protein change: p.Ala735Pro; replaces alanine 735 with proline.
Molecular consequence: missense variant.
Genome position (GRCh38, 1-based): chr16:68,828,212, G>C. VCF-style: chr16-68828212-G-C. GRCh37 (hg19) VCF-style: chr16-68862115-G-C.
Other names: c.2020G>C, p.Ala674Pro (NM_001317184.2); c.655G>C, p.Ala219Pro (NM_001317185.2); c.238G>C, p.Ala80Pro (NM_001317186.2); short protein forms A674P, A80P, A219P, A735P.
Identifiers: ClinVar variation 5033955 (VCV005033955.1).

ClinVar aggregate classification (germline): Uncertain significance (1 of 4 stars; one submission).

Conditions:
Hereditary cancer-predisposing syndrome. Also called: Neoplastic Syndromes, Hereditary; Tumor predisposition; Hereditary neoplastic syndrome; Hereditary Cancer Syndrome. Identifiers: Orphanet 140162, MedGen C0027672, MeSH D009386, MONDO:0015356.

Submission:

Ambry Genetics
Classification: Uncertain significance for Hereditary cancer-predisposing syndrome. Last evaluated: 2026-07-07. Review status: criteria provided, single submitter. Criteria: Ambry Variant Classification Scheme 2023. Collection method: clinical testing. Allele origin: germline.
Comment: The p.A735P variant (also known as c.2203G>C), located in coding exon 14 of the CDH1 gene, results from a G to C substitution at nucleotide position 2203. The alanine at codon 735 is replaced by proline, an amino acid with highly similar properties. This amino acid position is conserved. In addition, this alteration is predicted to be tolerated by in silico analysis. Based on the available evidence, the clinical significance of this variant remains unclear.